The following is an entry in ClinVar:

ClinVar aggregate classification (germline): Benign (1 of 4 stars; one submission).

Allele frequency attached by ClinVar (database versions not stated): 1000 Genomes Project 30x 0.91693; 1000 Genomes Project 0.92113; TOPMed 0.92467; gnomAD 0.92781 and 0.93268.
gnomAD v4.1: 142,036 of 152,174 alleles (93%); highest among the groups gnomAD compares: East Asian, 100%; 67,084 homozygotes.

Submission:

GeneDx
Classification: Benign. Last evaluated: 2018-06-19. Review status: criteria provided, single submitter. Criteria: GeneDx Variant Classification (06012015). Collection method: clinical testing. Allele origin: germline. Affected: yes.
Comment: This variant is considered likely benign or benign based on one or more of the following criteria: it is a conservative change, it occurs at a poorly conserved position in the protein, it is predicted to be benign by multiple in silico algorithms, and/or has population frequency not consistent with disease.

NM_000027.4(AGA):c.395-185A>G

Gene: AGA (aspartylglucosaminidase; minus strand). Cytogenetic location: 4q34.3.
Variant type: single nucleotide variant.
Coding change: c.395-185A>G on transcript NM_000027.4 (MANE Select); 185 bases into the intron before coding-DNA position 395, A replaced by G.
Molecular consequence: intron variant.
Genome position (GRCh38, 1-based): chr4:177,439,042, T>C on the plus strand (A>G on the coding strand, the complement: AGA is on the minus strand). VCF-style: chr4-177439042-T-C. GRCh37 (hg19) VCF-style: chr4-178360196-T-C.
Other names: c.395-185A>G (NM_001171988.2).
Identifiers: ClinVar variation 683241 (VCV000683241.1), dbSNP rs6855346, ClinGen allele CA16212216.